The following is an entry in ClinVar:

ClinVar aggregate classification (germline): Uncertain significance. Review status: criteria provided, multiple submitters, no conflicts (2 of 4 stars). 2 submissions from 2 submitters: Uncertain significance (2). Last evaluated 2026-09-11.

Conditions:
Inborn genetic diseases. Identifiers: MedGen C0950123, MeSH D030342.
Zimmermann-Laband syndrome 2 (ZLS2). Identifiers: Orphanet 3473, MedGen C4225321, MONDO:0014646, OMIM 616455.
Autosomal dominant deafness - onychodystrophy syndrome. Also called: Deafness, congenital, with onychodystrophy, autosomal dominant; DDOD SYNDROME. Identifiers: Orphanet 3231, Orphanet 79499, MedGen C2675730, MONDO:0007420, OMIM 124480.

gnomAD v4.1: 7 of 1,613,572 alleles (0.00043%); highest among the groups gnomAD compares: East Asian, 0.0022%; no homozygotes.

Submissions (2):

Ambry Genetics
Classification: Uncertain significance for Inborn genetic diseases. Last evaluated: 2026-09-11. Review status: criteria provided, single submitter. Criteria: Ambry Variant Classification Scheme 2023. Collection method: clinical testing. Allele origin: germline.

Juno Genomics, Hangzhou Juno Genomics, Inc
Classification: Uncertain significance for Zimmermann-Laband syndrome 2; Autosomal dominant deafness - onychodystrophy syndrome. Review status: criteria provided, single submitter. Criteria: ACMG Guidelines, 2015. Collection method: clinical testing. Allele origin: germline.
Comment: Absent from controls (or at extremely low frequency if recessive) in Genome Aggregation Database.

NM_001693.4(ATP6V1B2):c.404C>T (p.Ser135Leu)

Gene: ATP6V1B2 (ATPase H+ transporting V1 subunit B2; plus strand). Cytogenetic location: 8p21.3.
Variant type: single nucleotide variant.
Coding change: c.404C>T on transcript NM_001693.4 (MANE Select); coding-DNA position 404, C replaced by T.
Protein change: p.Ser135Leu; replaces serine 135 with leucine.
Molecular consequence: missense variant.
Genome position (GRCh38, 1-based): chr8:20,210,587, C>T. VCF-style: chr8-20210587-C-T. GRCh37 (hg19) VCF-style: chr8-20068098-C-T.
Other names: c.404C>T (NM_001693.3); short protein forms S135L.
Identifiers: ClinVar variation 5007296 (VCV005007296.3).